The following is an entry in ClinVar:

NM_000211.5(ITGB2):c.1112A>T (p.His371Leu)

Gene: ITGB2 (integrin subunit beta 2; minus strand). Cytogenetic location: 21q22.3.
Variant type: single nucleotide variant.
Coding change: c.1112A>T on transcript NM_000211.5 (MANE Select); coding-DNA position 1112, A replaced by T.
Protein change: p.His371Leu; replaces histidine 371 with leucine.
Molecular consequence: missense variant.
Genome position (GRCh38, 1-based): chr21:44,893,516, T>A on the plus strand (A>T on the coding strand, the complement: ITGB2 is on the minus strand). VCF-style: chr21-44893516-T-A. GRCh37 (hg19) VCF-style: chr21-46313431-T-A.
Other names: c.1112A>T, p.His371Leu (NM_001127491.3); c.905A>T, p.His302Leu (NM_001303238.2); short protein forms H302L, H371L.
Identifiers: ClinVar variation 1027020 (VCV001027020.9), dbSNP rs2083821185, ClinGen allele CA410486024.
Genomic context (GRCh38, chr21:44,893,516, plus strand): 5'-GTCACTCCATTGCTGCAGAAGGAGTCGTAGGTGACTTTCAGGGTGTCGGGGAGGGCGTTG[T>A]GATCCAGGAAGACCCTGGAGGAGAGTTTCTGCGGGCAGAGAGCGGTTACTCTTGGGGGCG-3'
Protein context (NP_000202.3, residues 361-381): NKLSSRVFLD[His371Leu]NALPDTLKVT

ClinVar aggregate classification (germline): Uncertain significance (1 of 4 stars; one submission).

Conditions:
Leukocyte adhesion deficiency 1 (LAD1). Also called: LEUKOCYTE ADHESION DEFICIENCY, TYPE I; LAD 1; Lymphocyte function-associated antigen 1 immunodeficiency; LFA 1 immunodeficiency. Identifiers: Orphanet 2968, Orphanet 99842, MedGen C0398738, MONDO:0007293, OMIM 116920.

Submission:

Labcorp Genetics (formerly Invitae), Labcorp
Classification: Uncertain significance for Leukocyte adhesion deficiency 1. Last evaluated: 2020-09-24. Review status: criteria provided, single submitter. Criteria: Invitae Variant Classification Sherloc (09022015). Collection method: clinical testing. Allele origin: germline.
Comment: This variant has not been reported in the literature in individuals with ITGB2-related conditions. In summary, the available evidence is currently insufficient to determine the role of this variant in disease. Therefore, it has been classified as a Variant of Uncertain Significance. Algorithms developed to predict the effect of missense changes on protein structure and function (SIFT, PolyPhen-2, Align-GVGD) all suggest that this variant is likely to be disruptive, but these predictions have not been confirmed by published functional studies and their clinical significance is uncertain. This variant is not present in population databases (ExAC no frequency). This sequence change replaces histidine with leucine at codon 371 of the ITGB2 protein (p.His371Leu). The histidine residue is highly conserved and there is a moderate physicochemical difference between histidine and leucine.